The following is an entry in ClinVar:

NM_000512.5(GALNS):c.425A>G (p.His142Arg)

Gene: GALNS (galactosamine (N-acetyl)-6-sulfatase; minus strand). Cytogenetic location: 16q24.3.
Variant type: single nucleotide variant.
Coding change: c.425A>G on transcript NM_000512.5 (MANE Select); coding-DNA position 425, A replaced by G.
Protein change: p.His142Arg; replaces histidine 142 with arginine.
Molecular consequence: missense variant. On other transcripts: 5 prime UTR variant (1).
Genome position (GRCh38, 1-based): chr16:88,837,763, T>C on the plus strand (A>G on the coding strand, the complement: GALNS is on the minus strand). VCF-style: chr16-88837763-T-C. GRCh37 (hg19) VCF-style: chr16-88904171-T-C.
Other names: c.-131A>G (NM_001323543.2); c.443A>G, p.His148Arg (NM_001323544.2); short protein forms H142R, H148R.
Identifiers: ClinVar variation 1045365 (VCV001045365.48), dbSNP rs1288895691, ClinGen allele CA397083872.
Genomic context (GRCh38, chr16:88,837,763, plus strand): 5'-GATCCAAACCACTCATCAAATCCGTGCTTCAGGGGGTGGAACTGGGGCCTGTGACCCAGA[T>C]GCCTGGAAACAGGAACCCAGGACACTTCAGGGACCCCACGTGGGGACACTCGGAAGTTCT-3'
Protein context (NP_000503.1, residues 132-152): GYVSKIVGKW[His142Arg]LGHRPQFHPL

ClinVar aggregate classification (germline): Conflicting classifications of pathogenicity. Review status: criteria provided, conflicting classifications (1 of 4 stars). 6 submissions from 6 submitters: Pathogenic (1); Likely pathogenic (2); Uncertain significance (3). Last evaluated 2024-08-09.

Conditions:
Mucopolysaccharidosis, MPS-IV-A (MPS4A). Also called: mucopolysaccharidosis type 4A; GALACTOSAMINE-6-SULFATASE DEFICIENCY; GALNS DEFICIENCY; MPS IVA; Mucopolysaccharidosis type IV A; MORQUIO SYNDROME A. Identifiers: Orphanet 309297, Orphanet 582, MedGen C0086651, MONDO:0009659, OMIM 253000.
GALNS-related disorders.

Submissions (6):

Women's Health and Genetics/Laboratory Corporation of America, LabCorp
Classification: Uncertain significance. Last evaluated: 2024-08-09. Review status: criteria provided, single submitter. Criteria: LabCorp Variant Classification Summary - May 2015. Collection method: clinical testing. Allele origin: germline.
Comment: Variant summary: GALNS c.425A>G (p.His142Arg) results in a non-conservative amino acid change located in the sulfatase, N-terminal domain (IPR000917) of the encoded protein sequence. Five of five in-silico tools predict a damaging effect of the variant on protein function. Consensus agreement among computation tools predict no significant impact on normal splicing. However, these predictions have yet to be confirmed by functional studies. The variant was absent in 250976 control chromosomes. The available data on variant occurrences in the general population are insufficient to allow any conclusion about variant significance. c.425A>G has been reported in the literature in the compound heterozygous state in at least one individual affected with Mucopolysaccharidosis Type IVA (Morquio Syndrome A) (e.g. Wang_2010) and in patients with out a clear diagnosis of Mucopolysaccharidosis Type IVA or the presences of a second pathogenic allele (e.g. Moosa_2022, Chuang_2021). These data do not allow any conclusion about variant significance. To our knowledge, no experimental evidence demonstrating an impact on protein function has been reported. ClinVar contains an entry for this variant (Variation ID: 1045365). Other variants affecting this codon have been reported (HGMD and ClinVar databases). Based on the evidence outlined above, the variant was classified as uncertain significance.

Blueprint Genetics
Classification: Likely pathogenic for GALNS-related disorders. Last evaluated: 2024-01-12. Review status: criteria provided, single submitter. Criteria: ACMG Guidelines, 2015. Collection method: clinical testing. Allele origin: germline. Affected: yes. Observed: 4 variant alleles.

Genome-Nilou Lab
Classification: Likely pathogenic for Mucopolysaccharidosis, MPS-IV-A. Last evaluated: 2021-11-07. Review status: criteria provided, single submitter. Criteria: ACMG Guidelines, 2015. Collection method: clinical testing. Allele origin: germline. Affected: no.

Labcorp Genetics (formerly Invitae), Labcorp
Classification: Uncertain significance for Mucopolysaccharidosis, MPS-IV-A. Last evaluated: 2021-08-12. Review status: criteria provided, single submitter. Criteria: Invitae Variant Classification Sherloc (09022015). Collection method: clinical testing. Allele origin: germline.
Comment: This sequence change replaces histidine with arginine at codon 142 of the GALNS protein (p.His142Arg). The histidine residue is highly conserved and there is a small physicochemical difference between histidine and arginine. This variant is not present in population databases (ExAC no frequency). This missense change has been observed in individual(s) with mucopolysaccharidosis type IVA (PMID: 20574428). Algorithms developed to predict the effect of missense changes on protein structure and function are either unavailable or do not agree on the potential impact of this missense change (SIFT: "Deleterious"; PolyPhen-2: "Probably Damaging"; Align-GVGD: "Class C0"). This variant disrupts the p.His142 amino acid residue in GALNS. Other variant(s) that disrupt this residue have been determined to be pathogenic (PMID: 25545067, 29731656, 30094185). This suggests that this residue is clinically significant, and that variants that disrupt this residue are likely to be disease-causing. In summary, the available evidence is currently insufficient to determine the role of this variant in disease. Therefore, it has been classified as a Variant of Uncertain Significance.

CeGaT Center for Human Genetics Tuebingen
Classification: Pathogenic. Last evaluated: 2021-05-01. Review status: criteria provided, single submitter. Criteria: CeGaT Center For Human Genetics Tuebingen Variant Classification Criteria Version 2. Collection method: clinical testing. Allele origin: germline. Affected: yes. Observed: 3 variant alleles.

Laboratory of Diagnosis and Therapy of Lysosomal Disorders, University of Padova
Classification: Uncertain significance for Mucopolysaccharidosis, MPS-IV-A. Last evaluated: 2021-02-01. Review status: criteria provided, single submitter. Criteria: ACMG Guidelines, 2015. Collection method: curation. Allele origin: germline. Affected: yes.
Comment: Located in a mutational hot spot and/or critical and well-established functional domain without benign variation (PM1_moderate); absent from gnomAD v2.1.1 (PM2_moderate); multiple lines of computational evidence support a deleterious effect on the gene (PP3_supporting)

Literature cited by the submitters: PubMed 34573925 (cited by Women's Health and Genetics/Laboratory Corporation of America, LabCorp); PubMed 20574428 (cited by 3 submitters); PubMed 35616356 (cited by Women's Health and Genetics/Laboratory Corporation of America, LabCorp); PubMed 25545067 (cited by Labcorp Genetics (formerly Invitae), Labcorp); PubMed 29731656 (cited by Labcorp Genetics (formerly Invitae), Labcorp); PubMed 30094185 (cited by Labcorp Genetics (formerly Invitae), Labcorp); PubMed 34387910 (cited by Laboratory of Diagnosis and Therapy of Lysosomal Disorders, University of Padova).